The following is an entry in ClinVar:

NM_000142.5(FGFR3):c.742_743insTGT (p.Arg248delinsLeuCys)

Gene: FGFR3 (fibroblast growth factor receptor 3; plus strand). Cytogenetic location: 4p16.3.
Variant type: Insertion.
Coding change: c.742_743insTGT on transcript NM_000142.5 (MANE Select); coding-DNA positions 742 to 743, TGT inserted.
Protein change: p.Arg248delinsLeuCys.
Molecular consequence: inframe indel. On other transcripts: non-coding transcript variant (1).
Genome position: GRCh38 VCF-style: chr4-1801837-C-CTGT. GRCh37 (hg19) VCF-style: chr4-1803564-C-CTGT.
Other names: c.742_743insTGT, p.Arg248delinsLeuCys (NM_001163213.2, NM_001354809.2, NM_001354810.2 and 1 more transcripts).
Identifiers: ClinVar variation 4857826 (VCV004857826.1).

ClinVar aggregate classification (germline): Pathogenic (1 of 4 stars; one submission).

Conditions:
FGFR3-related chondrodysplasia. Identifiers: Orphanet 93420, MedGen C5681604, MONDO:0019685.

Submission:

Genomenon, Inc
Classification: Pathogenic for FGFR3-related chondrodysplasia. Last evaluated: 2026-06-23. Review status: criteria provided, single submitter. Criteria: Genomenon Sequence Variant Interpretation Standards - Updated. Collection method: curation. Allele origin: germline. Affected: yes.
Comment: FGFR3 p.Arg248DelinsLeuCys (c.742_743insTGT) is an in-frame deletion-insertion variant resulting in the loss of Arginine at codon 248 and the insertion of two amino acids, Leucine and Cysteine. This variant has been observed in at least one proband with an FGFR3-related disorder (PMID:27028100). A de novo occurrence of this variant has been observed in at least one affected individual (PMID:27028100). Functional studies have been reported (PMID:27028100). This variant is located in a mutational hotspot and/or important functional domain. It is absent or not present at a significant frequency in gnomAD. In conclusion, we classify FGFR3 p.Arg248DelinsLeuCys (c.742_743insTGT) as a pathogenic variant.

Literature cited by the submitters: PubMed 27028100; PubMed 31476288.